The following is an entry in ClinVar:

ClinVar aggregate classification (germline): Benign (1 of 4 stars; one submission).

Allele frequency attached by ClinVar (database versions not stated): 1000 Genomes Project 30x 0.08120; 1000 Genomes Project 0.08247; TOPMed 0.09674; gnomAD 0.09955; gnomAD exomes 0.12092.
gnomAD v4.1: 174,834 of 1,476,580 alleles (12%); highest among the groups gnomAD compares: Admixed American, 14%; 10,998 homozygotes.

Submission:

Unidad de Genómica Garrahan, Hospital de Pediatría Garrahan
Classification: Benign. Last evaluated: 2023-11-12. Review status: criteria provided, single submitter. Criteria: ACMG Guidelines, 2015. Collection method: clinical testing. Allele origin: germline. Affected: no. Observed: 19 variant alleles.
Comment: This variant is classified as Benign based on local population frequency. This variant was detected in 20% of patients studied by a panel of primary immunodeficiencies. Number of patients: 19. Only high quality variants are reported.

NM_003954.5(MAP3K14):c.1291-89G>A

Gene: MAP3K14 (mitogen-activated protein kinase kinase kinase 14; minus strand). Cytogenetic location: 17q21.31.
Variant type: single nucleotide variant.
Coding change: c.1291-89G>A on transcript NM_003954.5 (MANE Select); 89 bases into the intron before coding-DNA position 1291, G replaced by A.
Molecular consequence: intron variant.
Genome position (GRCh38, 1-based): chr17:45,274,682, C>T on the plus strand (G>A on the coding strand, the complement: MAP3K14 is on the minus strand). VCF-style: chr17-45274682-C-T. GRCh37 (hg19) VCF-style: chr17-43352049-C-T.
Identifiers: ClinVar variation 2628305 (VCV002628305.2), dbSNP rs17685379, ClinGen allele CA16539892.